The following is an entry in ClinVar:

ClinVar aggregate classification (germline): Benign/Likely benign. Review status: criteria provided, multiple submitters, no conflicts (2 of 4 stars). 5 submissions from 3 submitters: Benign (3); Likely benign (2). Last evaluated 2018-06-28.

Conditions:
Renal-hepatic-pancreatic dysplasia 1 (RHPD1). Identifiers: MedGen C3715199, MONDO:0008833, OMIM 208540.
NPHP3-related Meckel-like syndrome. Also called: GOLDSTON SYNDROME; Meckel syndrome type 7. Identifiers: Orphanet 3032, MedGen C2673885, MONDO:0009966, OMIM 267010.
Nephronophthisis 3 (NPHP3). Also called: Adolescent nephronophthisis. Identifiers: Orphanet 655, MedGen C1858392, MONDO:0011456, OMIM 604387.

Allele frequency attached by ClinVar (database versions not stated): 1000 Genomes Project 30x 0.01405; 1000 Genomes Project 0.01418; TOPMed 0.02931; gnomAD 0.03300 and 0.03396; gnomAD exomes 0.03765.
gnomAD v4.1: 15,243 of 425,042 alleles (3.6%); highest among the groups gnomAD compares: Non-Finnish European, 5.2%; 428 homozygotes.

Submissions (5):

GeneDx
Classification: Benign. Last evaluated: 2018-06-28. Review status: criteria provided, single submitter. Criteria: GeneDx Variant Classification Process June 2021. Collection method: clinical testing. Allele origin: germline. Affected: yes.

Illumina Laboratory Services, Illumina
Classification: Likely benign for NPHP3-related Meckel-like syndrome. Last evaluated: 2018-01-13. Review status: criteria provided, single submitter. Criteria: ICSL Variant Classification Criteria 13 December 2019. Collection method: clinical testing. Allele origin: germline.
Comment: This variant was observed in the ICSL laboratory as part of a predisposition screen in an ostensibly healthy population. It had not been previously curated by ICSL or reported in the Human Gene Mutation Database (HGMD: prior to June 1st, 2018), and was therefore a candidate for classification through an automated scoring system. Utilizing variant allele frequency, disease prevalence and penetrance estimates, and inheritance mode, an automated score was calculated to assess if this variant is too frequent to cause the disease. Based on the score and internal cut-off values, a variant classified as likely benign is not then subjected to further curation. The score for this variant resulted in a classification of likely benign for this disease.

Illumina Laboratory Services, Illumina
Classification: Benign for Nephronophthisis 3. Last evaluated: 2018-01-13. Review status: criteria provided, single submitter. Criteria: ICSL Variant Classification Criteria 13 December 2019. Collection method: clinical testing. Allele origin: germline.
Comment: This variant was observed in the ICSL laboratory as part of a predisposition screen in an ostensibly healthy population. It had not been previously curated by ICSL or reported in the Human Gene Mutation Database (HGMD: prior to June 1st, 2018), and was therefore a candidate for classification through an automated scoring system. Utilizing variant allele frequency, disease prevalence and penetrance estimates, and inheritance mode, an automated score was calculated to assess if this variant is too frequent to cause the disease. Based on the score and internal cut-off values, a variant classified as benign is not then subjected to further curation. The score for this variant resulted in a classification of benign for this disease.

Illumina Laboratory Services, Illumina
Classification: Benign for Renal-hepatic-pancreatic dysplasia 1. Last evaluated: 2018-01-13. Review status: criteria provided, single submitter. Criteria: ICSL Variant Classification Criteria 13 December 2019. Collection method: clinical testing. Allele origin: germline.
Comment: the same text as in the submission from Illumina Laboratory Services, Illumina above.

Breakthrough Genomics
Classification: Likely benign. Review status: criteria provided, single submitter. Criteria: ACMG Guidelines, 2015. Collection method: not provided. Allele origin: germline. Inheritance: Autosomal recessive inheritance. Affected: yes.

NM_153240.5(NPHP3):c.*266G>A

Genes: NPHP3 (nephrocystin 3; minus strand), NPHP3-ACAD11 (NPHP3-ACAD11 readthrough (NMD candidate); minus strand). Cytogenetic location: 3q22.1.
Variant type: single nucleotide variant.
Coding change: c.*266G>A on transcript NM_153240.5 (MANE Select); 266 bases downstream of the stop codon, G replaced by A.
Molecular consequence: 3 prime UTR variant.
Genome position (GRCh38, 1-based): chr3:132,681,644, C>T on the plus strand (G>A on the coding strand, the complement: NPHP3 is on the minus strand). VCF-style: chr3-132681644-C-T. GRCh37 (hg19) VCF-style: chr3-132400488-C-T.
Identifiers: ClinVar variation 343369 (VCV000343369.8), dbSNP rs11708200, ClinGen allele CA10617395.